The following is an entry in ClinVar:

NM_001136472.2(LITAF):c.388G>T (p.Gly130Cys)

Gene: LITAF (lipopolysaccharide induced TNF factor; minus strand). Cytogenetic location: 16p13.13.
Variant type: single nucleotide variant.
Coding change: c.388G>T on transcript NM_001136472.2 (MANE Select); coding-DNA position 388, G replaced by T.
Protein change: p.Gly130Cys; replaces glycine 130 with cysteine.
Molecular consequence: missense variant. On other transcripts: 3 prime UTR variant (1), non-coding transcript variant (1).
Genome position (GRCh38, 1-based): chr16:11,549,735, C>A on the plus strand (G>T on the coding strand, the complement: LITAF is on the minus strand). VCF-style: chr16-11549735-C-A. GRCh37 (hg19) VCF-style: chr16-11643591-C-A.
Other names: c.*27G>T (NM_001136473.1); c.388G>T, p.Gly130Cys (NM_004862.4); short protein forms G130C.
Identifiers: ClinVar variation 546771 (VCV000546771.47), dbSNP rs879254325, ClinGen allele CA394763666.

ClinVar aggregate classification (germline): Conflicting classifications of pathogenicity. Review status: criteria provided, conflicting classifications (1 of 4 stars). 3 submissions from 3 submitters: Uncertain significance (2); Likely benign (1). Last evaluated 2024-10-16.

Conditions:
Charcot-Marie-Tooth disease type 1C. Also called: CHARCOT-MARIE-TOOTH DISEASE, DEMYELINATING, TYPE 1C; HMSN IC; CHARCOT-MARIE-TOOTH NEUROPATHY, TYPE 1C; NEUROPATHY, HEREDITARY MOTOR AND SENSORY, TYPE IC; Charcot-Marie-Tooth disease, type IC; CMT, SLOW NERVE CONDUCTION TYPE C. Identifiers: Orphanet 101083, MedGen C0270913, MONDO:0010995, OMIM 601098.

Submissions (3):

Institute for Clinical Genetics, University Hospital TU Dresden, University Hospital TU Dresden
Classification: Likely benign for Charcot-Marie-Tooth disease type 1C. Last evaluated: 2024-10-16. Review status: criteria provided, single submitter. Criteria: ACMG Guidelines, 2015. Collection method: clinical testing. Allele origin: paternal.
Comment: This missense variant in the LITAF gene (NM_001136472.2:c.388G>T, p.(Gly130Cys)) leads to an amino acid exchange at position 130 in the corresponding protein due to a base exchange at position 388 of the cDNA. Empirically, the gene does not show a generally increased sensitivity to missense variants (Z-score 0.47, PMID: 27535533). The variant localizes to the functionally relevant C-terminal LITAF domain, where all published pathogenic missense variants cluster (PMID: 27927196). Bioinformatic prediction algorithms estimate the effect of the variant on protein function as low (REVEL score 0.65, PMID: 27666373), but an actual effect has not yet been functionally investigated. The variant was classified twice in the ClinVar database as a variant of unclear significance. The variant is not listed in the population database gnomAD v4.1.0. According to current ACMG recommendations for variant evaluation (PMID 25741868), the criteria PM1_SUP, PM2_SUP, PP3, BS2_SUP and BS4 are fulfilled, resulting in an evaluation as a probable benign variant (ACMG class 2).

Labcorp Genetics (formerly Invitae), Labcorp
Classification: Uncertain significance for Charcot-Marie-Tooth disease type 1C. Last evaluated: 2023-07-22. Review status: criteria provided, single submitter. Criteria: Invitae Variant Classification Sherloc (09022015). Collection method: clinical testing. Allele origin: germline.
Comment: This variant is not present in population databases (gnomAD no frequency). This sequence change replaces glycine, which is neutral and non-polar, with cysteine, which is neutral and slightly polar, at codon 130 of the LITAF protein (p.Gly130Cys). This variant has not been reported in the literature in individuals affected with LITAF-related conditions. In summary, the available evidence is currently insufficient to determine the role of this variant in disease. Therefore, it has been classified as a Variant of Uncertain Significance. An algorithm developed to predict the effect of missense changes on protein structure and function (PolyPhen-2) suggests that this variant is likely to be disruptive. ClinVar contains an entry for this variant (Variation ID: 546771).

CeGaT Center for Human Genetics Tuebingen
Classification: Uncertain significance. Last evaluated: 2018-03-01. Review status: criteria provided, single submitter. Criteria: CeGaT Center For Human Genetics Tuebingen Variant Classification Criteria Version 2. Collection method: clinical testing. Allele origin: germline. Affected: yes. Observed: 1 variant allele.